The following is an entry in ClinVar:

ClinVar aggregate classification (germline): Uncertain significance (1 of 4 stars; one submission).

Submission:

GeneDx
Classification: Uncertain significance. Last evaluated: 2024-08-14. Review status: criteria provided, single submitter. Criteria: GeneDx Variant Classification Process June 2021. Collection method: clinical testing. Allele origin: germline.
Comment: Canonical splice site variant in a gene for which loss of function is not a well-established mechanism of disease; Not observed at significant frequency in large population cohorts (gnomAD); Has not been previously published as pathogenic or benign to our knowledge

NM_018026.4(PACS1):c.535-1del

Gene: PACS1 (phosphofurin acidic cluster sorting protein 1; plus strand). Cytogenetic location: 11q13.2.
Variant type: Deletion.
Coding change: c.535-1del on transcript NM_018026.4 (MANE Select); the canonical splice acceptor site of the intron before coding-DNA position 535, one base deleted (G; older notation c.535-1delG).
Molecular consequence: splice acceptor variant.
Genome position (GRCh38, 1-based): chr11:66,211,133, G deleted. VCF-style (leftmost placement, unchanged base first): chr11-66211132-AG-A. GRCh37 (hg19) VCF-style: chr11-65978603-AG-A.
Identifiers: ClinVar variation 3252803 (VCV003252803.2), dbSNP rs2495538985.
Genomic context (GRCh38, chr11:66,211,132, plus strand): 5'-CAGAACCCCTCAAGGACCCAGCTGCCCATTAACCACGCTCGACTCTGTTTTGTATTTCGT[AG>A]TACCCTCATTTCCTTAAGCGAGATGCCAACAAGCTGCAGATCATGCTGCAAAGGAGAAAA-3'